The following is an entry in ClinVar:

ClinVar aggregate classification (germline): Uncertain significance (1 of 4 stars; one submission).

Submission:

Dasa
Classification: Uncertain significance. Last evaluated: 2025-12-24. Review status: criteria provided, single submitter. Criteria: DASA Assertion Criteria. Collection method: clinical testing. Allele origin: germline.
Comment: NM_015001.3(SPEN):c.6616C>T (p.Pro2206Ser) is a missense variant that results in the substitution of proline with serine. This variant is rare in population databases. The currently available literature and clinical evidence are not sufficient to establish a definitive association between this variant and the reported condition. Therefore, this variant is classified as a variant of uncertain significance.

NM_015001.3(SPEN):c.6616C>T (p.Pro2206Ser)

Gene: SPEN (spen family transcriptional repressor; plus strand). Cytogenetic location: 1p36.13.
Variant type: single nucleotide variant.
Coding change: c.6616C>T on transcript NM_015001.3 (MANE Select); coding-DNA position 6616, C replaced by T.
Protein change: p.Pro2206Ser; replaces proline 2206 with serine.
Molecular consequence: missense variant.
Genome position (GRCh38, 1-based): chr1:15,932,856, C>T. VCF-style: chr1-15932856-C-T. GRCh37 (hg19) VCF-style: chr1-16259351-C-T.
Other names: short protein forms P2206S.
Identifiers: ClinVar variation 4885193 (VCV004885193.2).